The following is an entry in ClinVar:

NM_001206999.2(CIT):c.4385A>T (p.His1462Leu)

Gene: CIT (citron rho-interacting serine/threonine kinase; minus strand). Cytogenetic location: 12q24.23.
Variant type: single nucleotide variant.
Coding change: c.4385A>T on transcript NM_001206999.2 (MANE Select); coding-DNA position 4385, A replaced by T.
Protein change: p.His1462Leu; replaces histidine 1462 with leucine.
Molecular consequence: missense variant.
Genome position (GRCh38, 1-based): chr12:119,713,570, T>A on the plus strand (A>T on the coding strand, the complement: CIT is on the minus strand). VCF-style: chr12-119713570-T-A. GRCh37 (hg19) VCF-style: chr12-120151375-T-A.
Other names: c.4259A>T, p.His1420Leu (NM_007174.3); short protein forms H1420L, H1462L.
Identifiers: ClinVar variation 1714243 (VCV001714243.5), dbSNP rs1205147352, ClinGen allele CA386542346.

ClinVar aggregate classification (germline): Uncertain significance (1 of 4 stars; one submission).

Submission:

Labcorp Genetics (formerly Invitae), Labcorp
Classification: Uncertain significance. Last evaluated: 2022-07-29. Review status: criteria provided, single submitter. Criteria: Invitae Variant Classification Sherloc (09022015). Collection method: clinical testing. Allele origin: germline.
Comment: This variant has not been reported in the literature in individuals affected with CIT-related conditions. This variant is not present in population databases (gnomAD no frequency). This sequence change replaces histidine, which is basic and polar, with leucine, which is neutral and non-polar, at codon 1462 of the CIT protein (p.His1462Leu). Algorithms developed to predict the effect of missense changes on protein structure and function (SIFT, PolyPhen-2, Align-GVGD) all suggest that this variant is likely to be disruptive. In summary, the available evidence is currently insufficient to determine the role of this variant in disease. Therefore, it has been classified as a Variant of Uncertain Significance.